The following is an entry in ClinVar:

NM_032043.3(BRIP1):c.1936-1G>T

Gene: BRIP1 (BRCA1 interacting DNA helicase 1; minus strand). Cytogenetic location: 17q23.2.
Variant type: single nucleotide variant.
Coding change: c.1936-1G>T on transcript NM_032043.3 (MANE Select); the canonical splice acceptor site of the intron before coding-DNA position 1936, G replaced by T.
Molecular consequence: splice acceptor variant.
Genome position (GRCh38, 1-based): chr17:61,776,563, C>A on the plus strand (G>T on the coding strand, the complement: BRIP1 is on the minus strand). VCF-style: chr17-61776563-C-A. GRCh37 (hg19) VCF-style: chr17-59853924-C-A.
Identifiers: ClinVar variation 3228102 (VCV003228102.2), dbSNP rs1555601204, ClinGen allele CA400478661.

ClinVar aggregate classification (germline): Uncertain significance (1 of 4 stars; one submission).

Conditions:
Hereditary cancer-predisposing syndrome. Also called: Neoplastic Syndromes, Hereditary; Tumor predisposition; Hereditary neoplastic syndrome; Hereditary Cancer Syndrome. Identifiers: Orphanet 140162, MedGen C0027672, MeSH D009386, MONDO:0015356.

Submission:

Ambry Genetics
Classification: Uncertain significance for Hereditary cancer-predisposing syndrome. Last evaluated: 2025-11-25. Review status: criteria provided, single submitter. Criteria: Ambry Variant Classification Scheme 2023. Collection method: clinical testing. Allele origin: germline.
Comment: The c.1936-1G>T intronic variant results from a G to T substitution one nucleotide upstream from coding exon 13 of the BRIP1 gene. This nucleotide position is highly conserved in available vertebrate species. Alterations that disrupt the canonical splice site are expected to result in aberrant splicing. In silico splice site analysis predicts that this alteration will weaken the native splice acceptor site and may result in the creation or strengthening of a novel splice acceptor site. The resulting transcript is predicted to be in-frame and is not expected to trigger nonsense-mediated mRNAdecay; however, direct evidence is insufficient at this time (Ambry internal data). The exact functional effect of the altered amino acid sequence is unknown. Based on the available evidence, the clinical significance of this alteration remains unclear.